The following is an entry in ClinVar:

NM_000302.4(PLOD1):c.790G>A (p.Glu264Lys)

Gene: PLOD1 (procollagen-lysine,2-oxoglutarate 5-dioxygenase 1; plus strand). Cytogenetic location: 1p36.22.
Variant type: single nucleotide variant.
Coding change: c.790G>A on transcript NM_000302.4 (MANE Select); coding-DNA position 790, G replaced by A.
Protein change: p.Glu264Lys; replaces glutamic acid 264 with lysine.
Molecular consequence: missense variant.
Genome position (GRCh38, 1-based): chr1:11,957,890, G>A. VCF-style: chr1-11957890-G-A. GRCh37 (hg19) VCF-style: chr1-12017947-G-A.
Other names: c.931G>A, p.Glu311Lys (NM_001316320.2); short protein forms E264K, E311K.
Identifiers: ClinVar variation 2626610 (VCV002626610.2), dbSNP rs758361490, ClinGen allele CA18003198.

ClinVar aggregate classification (germline): Uncertain significance (1 of 4 stars; one submission).

Conditions:
Familial thoracic aortic aneurysm and aortic dissection (TAAD). Also called: Thoracic aortic aneurysms and dissections. Identifiers: Orphanet 91387, MedGen C4707243, MONDO:0019625.

Allele frequency attached by ClinVar (database versions not stated): gnomAD 0.00001.
gnomAD v4.1: 6 of 1,613,962 alleles (0.00037%); highest among the groups gnomAD compares: South Asian, 0.0033%; no homozygotes.

Submission:

Ambry Genetics
Classification: Uncertain significance for Familial thoracic aortic aneurysm and aortic dissection. Last evaluated: 2023-09-07. Review status: criteria provided, single submitter. Criteria: Ambry Variant Classification Scheme 2023. Collection method: clinical testing. Allele origin: germline.
Comment: The p.E264K variant (also known as c.790G>A), located in coding exon 8 of the PLOD1 gene, results from a G to A substitution at nucleotide position 790. The glutamic acid at codon 264 is replaced by lysine, an amino acid with similar properties. This amino acid position is conserved. In addition, this alteration is predicted to be deleterious by in silico analysis. Since supporting evidence is limited at this time, the clinical significance of this alteration remains unclear.